The following is an entry in ClinVar:

ClinVar aggregate classification (germline): Likely benign (0 of 4 stars; one submission).

Conditions:
SIM1-related disorder. Also called: SIM1-related condition; SIM1-related disorders.

gnomAD v4.1: 1 of 1,517,488 alleles (0.000066%); highest among the groups gnomAD compares: Admixed American, 0.0022%; no homozygotes.

Submission:

PreventionGenetics, part of Exact Sciences
Classification: Likely benign for SIM1-related condition. Last evaluated: 2023-11-10. Review status: no assertion criteria provided. Collection method: clinical testing. Allele origin: germline.
Comment: This variant is classified as likely benign based on ACMG/AMP sequence variant interpretation guidelines (Richards et al. 2015 PMID: 25741868, with internal and published modifications).

NM_005068.3(SIM1):c.1570+6A>G

Gene: SIM1 (SIM bHLH transcription factor 1; minus strand). Cytogenetic location: 6q16.3.
Variant type: single nucleotide variant.
Coding change: c.1570+6A>G on transcript NM_005068.3 (MANE Select); 6 bases into the intron after coding-DNA position 1570, A replaced by G.
Molecular consequence: intron variant.
Genome position (GRCh38, 1-based): chr6:100,393,481, T>C on the plus strand (A>G on the coding strand, the complement: SIM1 is on the minus strand). VCF-style: chr6-100393481-T-C. GRCh37 (hg19) VCF-style: chr6-100841357-T-C.
Other names: c.1570+6A>G (NM_001374769.1).
Identifiers: ClinVar variation 3349293 (VCV003349293.1).
Genomic context (GRCh38, chr6:100,393,481, plus strand): 5'-CACAATGTGATGAACCTGCCCAGGGCCTAATGCTTGGAGTTCGGGAACCCTTTCACCTGC[T>C]CTTACCATGGATCCTGTGGACTGAAGCGATGTGAGGCATGCTGTTTTCATAGGCTTCTCT-3'